The following is an entry in ClinVar:

ClinVar aggregate classification (germline): Uncertain significance (1 of 4 stars; one submission).

gnomAD v4.1: 1 of 1,550,374 alleles (0.000065%); no homozygotes.

Submission:

Labcorp Genetics (formerly Invitae), Labcorp
Classification: Uncertain significance. Last evaluated: 2023-08-17. Review status: criteria provided, single submitter. Criteria: Invitae Variant Classification Sherloc (09022015). Collection method: clinical testing. Allele origin: germline.
Comment: This sequence change replaces glycine, which is neutral and non-polar, with serine, which is neutral and polar, at codon 3030 of the UNC80 protein (p.Gly3030Ser). In summary, the available evidence is currently insufficient to determine the role of this variant in disease. Therefore, it has been classified as a Variant of Uncertain Significance. An algorithm developed to predict the effect of missense changes on protein structure and function (PolyPhen-2) suggests that this variant is likely to be tolerated. ClinVar contains an entry for this variant (Variation ID: 1482811). This variant has not been reported in the literature in individuals affected with UNC80-related conditions. This variant is not present in population databases (gnomAD no frequency).

NM_001371986.1(UNC80):c.9286G>A (p.Gly3096Ser)

Gene: UNC80 (unc-80 subunit of NALCN channel complex; plus strand). Cytogenetic location: 2q34.
Variant type: single nucleotide variant.
Coding change: c.9286G>A on transcript NM_001371986.1 (MANE Select); coding-DNA position 9286, G replaced by A.
Protein change: p.Gly3096Ser; replaces glycine 3096 with serine.
Molecular consequence: missense variant. On other transcripts: intron variant (1).
Genome position (GRCh38, 1-based): chr2:209,984,884, G>A. VCF-style: chr2-209984884-G-A. GRCh37 (hg19) VCF-style: chr2-210849608-G-A.
Other names: c.9088G>A, p.Gly3030Ser (NM_032504.2); c.9044+2567G>A (NM_182587.4); short protein forms G3030S, G3096S.
Identifiers: ClinVar variation 1482811 (VCV001482811.8), dbSNP rs2125025544, ClinGen allele CA350415170.